The following is an entry in ClinVar:

ClinVar aggregate classification (germline): Conflicting classifications of pathogenicity. Review status: criteria provided, conflicting classifications (1 of 4 stars). 5 submissions from 5 submitters: Uncertain significance (4); Likely benign (1). Last evaluated 2025-06-13.

Conditions:
Upshaw-Schulman syndrome (TTP). Also called: THROMBOTIC THROMBOCYTOPENIC PURPURA, HEREDITARY; Congenital thrombotic thrombocytopenic purpura. Identifiers: Orphanet 93583, MedGen C1268935, MONDO:0010122, OMIM 274150.
Inborn genetic diseases. Identifiers: MedGen C0950123, MeSH D030342.

gnomAD v4.1: 56 of 1,594,318 alleles (0.0035%); highest among the groups gnomAD compares: African/African-American, 0.063%; no homozygotes.

Submissions (5):

Labcorp Genetics (formerly Invitae), Labcorp
Classification: Uncertain significance. Last evaluated: 2025-06-13. Review status: criteria provided, single submitter. Criteria: Invitae Variant Classification Sherloc (09022015). Collection method: clinical testing. Allele origin: germline.
Comment: This sequence change replaces alanine, which is neutral and non-polar, with threonine, which is neutral and polar, at codon 307 of the ADAMTS13 protein (p.Ala307Thr). The frequency data for this variant in the population databases is considered unreliable, as metrics indicate poor data quality at this position in the gnomAD database. This variant has not been reported in the literature in individuals affected with ADAMTS13-related conditions. ClinVar contains an entry for this variant (Variation ID: 3266622). Invitae Evidence Modeling of protein sequence and biophysical properties (such as structural, functional, and spatial information, amino acid conservation, physicochemical variation, residue mobility, and thermodynamic stability) indicates that this missense variant is not expected to disrupt ADAMTS13 protein function with a negative predictive value of 80%. In summary, the available evidence is currently insufficient to determine the role of this variant in disease. Therefore, it has been classified as a Variant of Uncertain Significance.

Women's Health and Genetics/Laboratory Corporation of America, LabCorp
Classification: Uncertain significance. Last evaluated: 2025-04-29. Review status: criteria provided, single submitter. Criteria: LabCorp Variant Classification Summary - May 2015. Collection method: clinical testing. Allele origin: germline.
Comment: Variant summary: ADAMTS13 c.919G>A (p.Ala307Thr) results in a non-conservative amino acid change in the encoded protein sequence. Three of five in-silico tools predict a damaging effect of the variant on protein function. The variant allele was found at a frequency of 4.1e-05 in 218118 control chromosomes. The available data on variant occurrences in the general population are insufficient to allow any conclusion about variant significance. To our knowledge, no occurrence of c.919G>A in individuals affected with Thrombotic Thrombocytopenic Purpura and no experimental evidence demonstrating its impact on protein function have been reported. ClinVar contains an entry for this variant (Variation ID: 3266622). Based on the evidence outlined above, the variant was classified as uncertain significance.

Mayo Clinic Laboratories, Mayo Clinic
Classification: Likely benign. Last evaluated: 2024-12-09. Review status: criteria provided, single submitter. Criteria: ACMG Guidelines, 2015. Collection method: clinical testing. Allele origin: germline. Observed: 2 variant alleles.
Comment: BS1

Ambry Genetics
Classification: Uncertain significance for Inborn genetic diseases. Last evaluated: 2024-04-19. Review status: criteria provided, single submitter. Criteria: Ambry Variant Classification Scheme 2023. Collection method: clinical testing. Allele origin: germline.

Fulgent Genetics
Classification: Uncertain significance for Upshaw-Schulman syndrome. Last evaluated: 2024-03-18. Review status: criteria provided, single submitter. Criteria: ACMG Guidelines, 2015. Collection method: clinical testing. Allele origin: germline.

NM_139027.6(ADAMTS13):c.919G>A (p.Ala307Thr)

Gene: ADAMTS13 (ADAM metallopeptidase with thrombospondin type 1 motif 13; plus strand). Cytogenetic location: 9q34.2.
Variant type: single nucleotide variant.
Coding change: c.919G>A on transcript NM_139027.6 (MANE Select); coding-DNA position 919, G replaced by A.
Protein change: p.Ala307Thr; replaces alanine 307 with threonine.
Molecular consequence: missense variant.
Genome position (GRCh38, 1-based): chr9:133,430,033, G>A. VCF-style: chr9-133430033-G-A. GRCh37 (hg19) VCF-style: chr9-136295153-G-A.
Other names: p.Ala307Thr; c.919G>A, p.Ala307Thr (NM_139025.5); c.826G>A, p.Ala276Thr (NM_139026.6); short protein forms A307T, A276T.
Identifiers: ClinVar variation 3266622 (VCV003266622.7).